The following is an entry in ClinVar:

NM_000337.6(SGCD):c.298A>C (p.Asn100His)

Gene: SGCD (sarcoglycan delta; plus strand). Cytogenetic location: 5q33.3.
Variant type: single nucleotide variant.
Coding change: c.298A>C on transcript NM_000337.6 (MANE Select); coding-DNA position 298, A replaced by C.
Protein change: p.Asn100His; replaces asparagine 100 with histidine.
Molecular consequence: missense variant.
Genome position (GRCh38, 1-based): chr5:156,589,234, A>C. VCF-style: chr5-156589234-A-C. GRCh37 (hg19) VCF-style: chr5-156016244-A-C.
Other names: c.295A>C, p.Asn99His (NM_001128209.2); c.298A>C, p.Asn100His (NM_172244.3); short protein forms N100H, N99H.
Identifiers: ClinVar variation 994204 (VCV000994204.12), dbSNP rs1436273126, ClinGen allele CA362008460.

ClinVar aggregate classification (germline): Uncertain significance. Review status: criteria provided, multiple submitters, no conflicts (2 of 4 stars). 5 submissions from 4 submitters: Uncertain significance (5). Last evaluated 2023-02-08.

Conditions:
Autosomal recessive limb-girdle muscular dystrophy type 2F (LGMDR6). Also called: MUSCULAR DYSTROPHY, LIMB-GIRDLE, AUTOSOMAL RECESSIVE 6; Muscular dystrophy limb-girdle with delta-sarcoglyan deficiency. Identifiers: Orphanet 219, MedGen C1832525, MONDO:0011028, OMIM 601287. Disease mechanism: Affects gamma-sarcoglycan and also disrupts the integrity of the entire sarcoglycan complex..
Dilated cardiomyopathy 1L (CMD1L). Identifiers: Orphanet 154, MedGen C1847667, MONDO:0011702, OMIM 606685.

Allele frequency attached by ClinVar (database versions not stated): gnomAD exomes below 0.00001 and 0.00002; TOPMed 0.00001.
gnomAD v4.1: 3 of 1,555,114 alleles (0.00019%); highest among the groups gnomAD compares: East Asian, 0.007%; no homozygotes.

Submissions (5):

Genome-Nilou Lab
Classification: Uncertain significance for Autosomal recessive limb-girdle muscular dystrophy type 2F. Last evaluated: 2023-02-08. Review status: criteria provided, single submitter. Criteria: ACMG Guidelines, 2015. Collection method: clinical testing. Allele origin: germline.

Genome-Nilou Lab
Classification: Uncertain significance for Dilated cardiomyopathy 1L. Last evaluated: 2023-02-08. Review status: criteria provided, single submitter. Criteria: ACMG Guidelines, 2015. Collection method: clinical testing. Allele origin: germline.

Labcorp Genetics (formerly Invitae), Labcorp
Classification: Uncertain significance for Autosomal recessive limb-girdle muscular dystrophy type 2F. Last evaluated: 2022-04-28. Review status: criteria provided, single submitter. Criteria: Invitae Variant Classification Sherloc (09022015). Collection method: clinical testing. Allele origin: germline.
Comment: This sequence change replaces asparagine, which is neutral and polar, with histidine, which is basic and polar, at codon 100 of the SGCD protein (p.Asn100His). This variant is present in population databases (no rsID available, gnomAD 0.03%). This missense change has been observed in individual(s) with left ventricular noncompaction (PMID: 28855170). This variant is also known as N99H. ClinVar contains an entry for this variant (Variation ID: 994204). Algorithms developed to predict the effect of missense changes on protein structure and function (SIFT, PolyPhen-2, Align-GVGD) all suggest that this variant is likely to be tolerated. In summary, the available evidence is currently insufficient to determine the role of this variant in disease. Therefore, it has been classified as a Variant of Uncertain Significance.

ARUP Laboratories, Molecular Genetics and Genomics, ARUP Laboratories
Classification: Uncertain significance. Last evaluated: 2019-12-15. Review status: criteria provided, single submitter. Criteria: ARUP Molecular Germline Variant Investigation Process. Collection method: clinical testing. Allele origin: germline.
Comment: The SGCD c.298A>C; p.Asn100His variant (rs1436273126), also known as N99H, is reported in the literature in individuals affected with left ventricular noncompaction, but without clear evidence for disease association (Wang 2017). This variant is only observed on four alleles in the Genome Aggregation Database, indicating it is not a common polymorphism. The asparagine at codon 100 is moderately conserved, and computational analyses (SIFT: damaging, PolyPhen-2: benign) predict conflicting effects of this variant on protein structure/function. Due to limited information, the clinical significance of the p.Asn100His variant is uncertain at this time. References: Wang et al. A Wide and Specific Spectrum of Genetic Variants and Genotype-Phenotype Correlations Revealed by Next-Generation Sequencing in Patients with Left Ventricular Noncompaction. J Am Heart Assoc. 2017 Aug 30;6(9). pii: e006210.

GeneDx
Classification: Uncertain significance. Last evaluated: 2019-12-06. Review status: criteria provided, single submitter. Criteria: GeneDx Variant Classification Process June 2021. Collection method: clinical testing. Allele origin: germline. Affected: yes.
Comment: In silico analysis, which includes protein predictors and evolutionary conservation, supports that this variant does not alter protein structure/function; Observed in 0.0022% (4/180502) of alleles in large population cohorts (Lek et al., 2016); This variant is associated with the following publications: (PMID: 28855170)

Literature cited by the submitters: PubMed 28855170 (cited by Labcorp Genetics (formerly Invitae), Labcorp).